The following is an entry in ClinVar:

NM_000478.6(ALPL):c.497C>T (p.Thr166Ile)

Gene: ALPL (alkaline phosphatase, biomineralization associated; plus strand). Cytogenetic location: 1p36.12.
Variant type: single nucleotide variant.
Coding change: c.497C>T on transcript NM_000478.6 (MANE Select); coding-DNA position 497, C replaced by T.
Protein change: p.Thr166Ile; replaces threonine 166 with isoleucine.
Molecular consequence: missense variant.
Genome position (GRCh38, 1-based): chr1:21,564,065, C>T. VCF-style: chr1-21564065-C-T. GRCh37 (hg19) VCF-style: chr1-21890558-C-T.
Other names: c.332C>T, p.Thr111Ile (NM_001127501.4); c.266C>T, p.Thr89Ile (NM_001177520.3); c.497C>T, p.Thr166Ile (NM_001369803.2, NM_001369804.2, NM_001369805.2); short protein forms T166I, T111I, T89I.
Identifiers: ClinVar variation 558036 (VCV000558036.4), dbSNP rs1176474582, ClinGen allele CA338877780.

ClinVar aggregate classification (germline): Pathogenic/Likely pathogenic. Review status: criteria provided, multiple submitters, no conflicts (2 of 4 stars). 3 submissions from 3 submitters: Pathogenic (1); Likely pathogenic (1). 1 of the submissions does not count toward it. Last evaluated 2025-08-29.

Conditions:
Hypophosphatasia. Also called: Phosphoethanol-aminuria. Identifiers: Orphanet 436, MedGen C0020630, MeSH D007014, MONDO:0018570.
Infantile hypophosphatasia. Identifiers: Orphanet 247651, Orphanet 436, MedGen C0268412, MONDO:1010169, OMIM 241500, MONDO:0009427.

gnomAD v4.1: 1 of 1,614,012 alleles (0.000062%); highest among the groups gnomAD compares: Admixed American, 0.0017%; no homozygotes.

Submissions (3):

Genomenon, Inc
Classification: Likely pathogenic for Hypophosphatasia. Last evaluated: 2025-08-29. Review status: criteria provided, single submitter. Criteria: Genomenon Sequence Variant Interpretation Standards. Collection method: curation. Allele origin: germline. Affected: yes.
Comment: ALPL c.497C>T is a missense variant that changes the amino acid at residue 166 from Threonine to Isoleucine. This variant has been observed in at least one proband affected with hypophosphatasia (PMID:26783040). It is absent or not present at a significant frequency in gnomAD. In silico models agree that this variant is possibly or probably damaging. In conclusion, we classify ALPL p.Thr166Ile (c.497C>T) as a likely pathogenic variant.

Labcorp Genetics (formerly Invitae), Labcorp
Classification: Pathogenic. Last evaluated: 2025-02-26. Review status: criteria provided, single submitter. Criteria: Invitae Variant Classification Sherloc (09022015). Collection method: clinical testing. Allele origin: germline.
Comment: This sequence change replaces threonine, which is neutral and polar, with isoleucine, which is neutral and non-polar, at codon 166 of the ALPL protein (p.Thr166Ile). This variant is present in population databases (no rsID available, gnomAD 0.003%). This missense change has been observed in individual(s) with hypophosphatasia (PMID: 26783040). ClinVar contains an entry for this variant (Variation ID: 558036). Invitae Evidence Modeling of protein sequence and biophysical properties (such as structural, functional, and spatial information, amino acid conservation, physicochemical variation, residue mobility, and thermodynamic stability) indicates that this missense variant is expected to disrupt ALPL protein function with a positive predictive value of 95%. For these reasons, this variant has been classified as Pathogenic.

Counsyl
Classification: Uncertain significance for Infantile hypophosphatasia. Last evaluated: 2018-04-25. Review status: no assertion criteria provided. Collection method: clinical testing. Allele origin: unknown. Not counted in ClinVar's aggregate classification.

Literature cited by the submitters: PubMed 26783040 (cited by Genomenon, Inc and Labcorp Genetics (formerly Invitae), Labcorp); PubMed 28127875 (cited by Counsyl).